The following is an entry in ClinVar:

ClinVar aggregate classification (germline): Uncertain significance (1 of 4 stars; one submission).

Conditions:
Familial cancer of breast. Also called: BREAST CANCER, FAMILIAL; hereditary breast carcinoma; Hereditary breast cancer. Identifiers: Orphanet 227535, MedGen C0346153, MONDO:0016419, OMIM 114480. Disease mechanism: loss of function.

Submission:

Labcorp Genetics (formerly Invitae), Labcorp
Classification: Uncertain significance for Familial cancer of breast. Last evaluated: 2026-01-06. Review status: criteria provided, single submitter. Criteria: Invitae Variant Classification Sherloc (09022015). Collection method: clinical testing. Allele origin: germline.
Comment: This sequence change replaces glycine, which is neutral and non-polar, with cysteine, which is neutral and slightly polar, at codon 229 of the CHEK2 protein (p.Gly229Cys). This variant is not present in population databases (gnomAD no frequency). This variant has not been reported in the literature in individuals affected with CHEK2-related conditions. ClinVar contains an entry for this variant (Variation ID: 665414). An algorithm developed to predict the effect of missense changes on protein structure and function (PolyPhen-2) suggests that this variant is likely to be disruptive. In summary, the available evidence is currently insufficient to determine the role of this variant in disease. Therefore, it has been classified as a Variant of Uncertain Significance.

NM_007194.4(CHEK2):c.685G>T (p.Gly229Cys)

Gene: CHEK2 (checkpoint kinase 2; minus strand). Cytogenetic location: 22q12.1.
Variant type: single nucleotide variant.
Coding change: c.685G>T on transcript NM_007194.4 (MANE Select); coding-DNA position 685, G replaced by T.
Protein change: p.Gly229Cys; replaces glycine 229 with cysteine.
Molecular consequence: missense variant.
Genome position (GRCh38, 1-based): chr22:28,712,016, C>A on the plus strand (G>T on the coding strand, the complement: CHEK2 is on the minus strand). VCF-style: chr22-28712016-C-A. GRCh37 (hg19) VCF-style: chr22-29108004-C-A.
Other names: c.814G>T, p.Gly272Cys (NM_001005735.3); c.22G>T, p.Gly8Cys (NM_001257387.3); c.484G>T, p.Gly162Cys (NM_001349956.3); c.685G>T, p.Gly229Cys (NM_145862.3); short protein forms G229C, G162C, G8C, G272C.
Identifiers: ClinVar variation 665414 (VCV000665414.7), dbSNP rs1064794948, ClinGen allele CA411103515.
Genomic context (GRCh38, chr22:28,712,016, plus strand): 5'-TTATGGCTACTTTCTTACATGTTTTCCTCTCGAAAGCCAGCTTTACCTCTCCACAGGCAC[C>A]ACTAGAGGGAAAAACAAAGATAGTGATTGTCTGAATGTTTTTAATTATGAGACCTACCAC-3'
Protein context (NP_009125.1, residues 219-239): EYIMSKTLGS[Gly229Cys]ACGEVKLAFE